The following is an entry in ClinVar:

ClinVar aggregate classification (germline): Likely benign (1 of 4 stars; one submission).

Submission:

CeGaT Center for Human Genetics Tuebingen
Classification: Likely benign. Last evaluated: 2025-11-01. Review status: criteria provided, single submitter. Criteria: CeGaT Center For Human Genetics Tuebingen Variant Classification Criteria Version 2. Collection method: clinical testing. Allele origin: germline. Affected: yes. Observed: 1 variant allele.
Comment: CBX7: BP4, BP7

NM_175709.5(CBX7):c.330C>T (p.Gly110=)

Gene: CBX7 (chromobox 7; minus strand). Cytogenetic location: 22q13.1.
Variant type: single nucleotide variant.
Coding change: c.330C>T on transcript NM_175709.5 (MANE Select); coding-DNA position 330, C replaced by T.
Protein change: p.Gly110=; no amino-acid change (glycine 110 retained).
Molecular consequence: synonymous variant. On other transcripts: intron variant (1).
Genome position (GRCh38, 1-based): chr22:39,134,669, G>A on the plus strand (C>T on the coding strand, the complement: CBX7 is on the minus strand). VCF-style: chr22-39134669-G-A. GRCh37 (hg19) VCF-style: chr22-39530674-G-A.
Other names: c.330C>T, p.Gly110= (NM_001346743.2); c.247-196C>T (NM_001346744.2).
Identifiers: ClinVar variation 4535345 (VCV004535345.6).